The following is an entry in ClinVar:

NM_001408.3(CELSR2):c.7515C>T (p.Tyr2505=)

Gene: CELSR2 (cadherin EGF LAG seven-pass G-type receptor 2; plus strand). Cytogenetic location: 1p13.3.
Variant type: single nucleotide variant.
Coding change: c.7515C>T on transcript NM_001408.3 (MANE Select); coding-DNA position 7515, C replaced by T.
Protein change: p.Tyr2505=; no amino-acid change (tyrosine 2505 retained).
Molecular consequence: synonymous variant.
Genome position (GRCh38, 1-based): chr1:109,270,958, C>T. VCF-style: chr1-109270958-C-T. GRCh37 (hg19) VCF-style: chr1-109813580-C-T.
Identifiers: ClinVar variation 3051599 (VCV003051599.2), dbSNP rs746343874, ClinGen allele CA988274.

ClinVar aggregate classification (germline): Likely benign (0 of 4 stars; one submission).

Conditions:
CELSR2-related disorder. Also called: CELSR2-related condition.

Allele frequency attached by ClinVar (database versions not stated): gnomAD exomes 0.00001; ExAC 0.00004; gnomAD 0.00004; TOPMed 0.00006.
gnomAD v4.1: 25 of 1,613,834 alleles (0.0015%); highest among the groups gnomAD compares: African/African-American, 0.008%; no homozygotes.

Submission:

PreventionGenetics, part of Exact Sciences
Classification: Likely benign for CELSR2-related condition. Last evaluated: 2020-02-24. Review status: no assertion criteria provided. Collection method: clinical testing. Allele origin: germline.
Comment: This variant is classified as likely benign based on ACMG/AMP sequence variant interpretation guidelines (Richards et al. 2015 PMID: 25741868, with internal and published modifications).